The following continues an entry in ClinVar:

NM_000059.4(BRCA2):c.4243G>T (p.Glu1415Ter)

Gene: BRCA2. ClinVar aggregate classification (germline): Pathogenic. Pathogenic (1).

Submissions 9 to 15 of 15:

Women's Health and Genetics/Laboratory Corporation of America, LabCorp
Classification: Pathogenic for Hereditary breast ovarian cancer syndrome. Last evaluated: 2022-07-05. Review status: criteria provided, single submitter. Criteria: LabCorp Variant Classification Summary - May 2015. Collection method: clinical testing. Allele origin: germline. Not counted in ClinVar's aggregate classification.
Comment: Variant summary: BRCA2 c.4243G>T (p.Glu1415X) results in a premature termination codon, predicted to cause a truncation of the encoded protein or absence of the protein due to nonsense mediated decay, which are commonly known mechanisms for disease. This variant is also known as 4471G>T.Truncations downstream of this position have been classified as pathogenic by our laboratory. The variant was absent in 242558 control chromosomes (gnomAD). c.4243G>T has been reported in the literature in individuals affected with hereditary breast cancer, ovarian cancer, fallopian tube carcinoma, head and neck squamous cell carcinoma (examples: Walsh_2011, Chandrasekharappa_2017, Carter_2018, and Rebbeck_2018). These data indicate that the variant is very likely to be associated with disease. Ten submitters including an expert panel (ENIGMA) have submitted clinical-significance assessments for this variant to ClinVar after 2014 and all classified the variant as pathogenic. Based on the evidence outlined above, the variant was classified as pathogenic.

Revvity Omics, Revvity
Classification: Pathogenic. Last evaluated: 2019-08-07. Review status: criteria provided, single submitter. Criteria: ACMG Guidelines, 2015. Collection method: clinical testing. Allele origin: germline. Not counted in ClinVar's aggregate classification.

Fulgent Genetics
Classification: Pathogenic for Familial cancer of breast; Medulloblastoma; Familial prostate cancer; Wilms tumor 1; Fanconi anemia complementation group D1; Breast-ovarian cancer, familial, susceptibility to, 2; Glioma susceptibility 3; Pancreatic cancer, susceptibility to, 2. Last evaluated: 2018-10-31. Review status: criteria provided, single submitter. Criteria: ACMG Guidelines, 2015. Collection method: clinical testing. Allele origin: unknown. Not counted in ClinVar's aggregate classification.

Department of Genetics, Sultan Qaboos University Hospital
Classification: Pathogenic for Breast-ovarian cancer, familial, susceptibility to, 2. Last evaluated: 2017-12-30. Review status: criteria provided, single submitter. Criteria: ACMG Guidelines, 2015. Collection method: curation. Allele origin: unknown. Affected: yes. Not counted in ClinVar's aggregate classification.

Consortium of Investigators of Modifiers of BRCA1/2 (CIMBA), c/o University of Cambridge
Classification: Pathogenic for Breast-ovarian cancer, familial, susceptibility to, 2. Last evaluated: 2015-10-02. Review status: criteria provided, single submitter. Criteria: CIMBA Mutation Classification guidelines May 2016. Collection method: clinical testing. Allele origin: germline. Not counted in ClinVar's aggregate classification.

Counsyl
Classification: Pathogenic for Breast-ovarian cancer, familial, susceptibility to, 2. Last evaluated: 2018-04-30. Review status: no assertion criteria provided. Collection method: clinical testing. Allele origin: unknown. Not counted in ClinVar's aggregate classification.

Sharing Clinical Reports Project (SCRP)
Classification: Pathogenic for Breast-ovarian cancer, familial 2. Last evaluated: 2011-08-19. Review status: no assertion criteria provided. Collection method: clinical testing. Allele origin: germline. Not counted in ClinVar's aggregate classification.

Literature cited by the submitters: PubMed 20104584 (cited by Labcorp Genetics (formerly Invitae), Labcorp); PubMed 22006311 (cited by 6 submitters); PubMed 28678401 (cited by 4 submitters); PubMed 30322717 (cited by 4 submitters); PubMed 33471991 (cited by Color Diagnostics, LLC DBA Color Health and All of Us Research Program, National Institutes of Health); PubMed 29446198 (cited by 3 submitters).